The following is an entry in ClinVar:

NM_000038.6(APC):c.604G>C (p.Glu202Gln)

Gene: APC (APC regulator of Wnt signaling pathway; plus strand). Cytogenetic location: 5q22.2.
Variant type: single nucleotide variant.
Coding change: c.604G>C on transcript NM_000038.6 (MANE Select); coding-DNA position 604, G replaced by C.
Protein change: p.Glu202Gln; replaces glutamic acid 202 with glutamine.
Molecular consequence: missense variant. On other transcripts: 5 prime UTR variant (4), non-coding transcript variant (2).
Genome position (GRCh38, 1-based): chr5:112,780,862, G>C. VCF-style: chr5-112780862-G-C. GRCh37 (hg19) VCF-style: chr5-112116559-G-C.
Other names: c.604G>C, p.Glu202Gln (NM_001354895.2, NM_001354896.2, NM_001354899.2 and 16 more transcripts); c.634G>C, p.Glu212Gln (NM_001354897.2, NM_001354902.2, NM_001407446.1 and 1 more transcripts); c.529G>C, p.Glu177Gln (NM_001354898.2, NM_001354904.2, NM_001407451.1); c.427G>C, p.Glu143Gln (NM_001354900.2, NM_001354901.2, NM_001354905.2 and 1 more transcripts); c.-432G>C (NM_001354906.2, NM_001407470.1, NM_001407471.1 and 1 more transcripts); c.604G>C (NM_000038.5); short protein forms E202Q, E143Q, E177Q, E212Q.
Identifiers: ClinVar variation 2769012 (VCV002769012.4), dbSNP rs2149640325, ClinGen allele CA16022659.

ClinVar aggregate classification (germline): Uncertain significance. Review status: criteria provided, multiple submitters, no conflicts (2 of 4 stars). 2 submissions from 2 submitters: Uncertain significance (2). Last evaluated 2025-01-17.

Conditions:
Hereditary cancer-predisposing syndrome. Also called: Hereditary neoplastic syndrome; Hereditary Cancer Syndrome; Neoplastic Syndromes, Hereditary; Tumor predisposition. Identifiers: Orphanet 140162, MedGen C0027672, MeSH D009386, MONDO:0015356.
Familial adenomatous polyposis 1 (FAP1). Also called: POLYPOSIS, ADENOMATOUS INTESTINAL; FAMILIAL ADENOMATOUS POLYPOSIS 1, ATTENUATED. Identifiers: MedGen C2713442, MONDO:0021056, OMIM 175100. Disease mechanism: loss of function.

Allele frequency attached by ClinVar (database versions not stated): gnomAD exomes below 0.00001.
gnomAD v4.1: 1 of 1,613,050 alleles (0.000062%); highest among the groups gnomAD compares: Non-Finnish European, 0.000085%; no homozygotes.

Submissions (2):

Ambry Genetics
Classification: Uncertain significance for Hereditary cancer-predisposing syndrome. Last evaluated: 2025-01-17. Review status: criteria provided, single submitter. Criteria: Ambry Variant Classification Scheme 2023. Collection method: clinical testing. Allele origin: germline.
Comment: The p.E202Q variant (also known as c.604G>C), located in coding exon 5 of the APC gene, results from a G to C substitution at nucleotide position 604. The glutamic acid at codon 202 is replaced by glutamine, an amino acid with highly similar properties. This amino acid position is well conserved in available vertebrate species. Missense alterations in APC are not a common cause of disease (Spier I et al. Genet Med. 2024 Feb;26(2):100992). In addition, in silico predictors for this gene do not accurately predict pathogenicity. Based on the available evidence, the clinical significance of this variant remains unclear.

Labcorp Genetics (formerly Invitae), Labcorp
Classification: Uncertain significance for Familial adenomatous polyposis 1. Last evaluated: 2023-11-01. Review status: criteria provided, single submitter. Criteria: Invitae Variant Classification Sherloc (09022015). Collection method: clinical testing. Allele origin: germline.
Comment: This sequence change replaces glutamic acid, which is acidic and polar, with glutamine, which is neutral and polar, at codon 202 of the APC protein (p.Glu202Gln). This variant is not present in population databases (gnomAD no frequency). This variant has not been reported in the literature in individuals affected with APC-related conditions. Advanced modeling of protein sequence and biophysical properties (such as structural, functional, and spatial information, amino acid conservation, physicochemical variation, residue mobility, and thermodynamic stability) performed at Invitae indicates that this missense variant is not expected to disrupt APC protein function with a negative predictive value of 95%. In summary, the available evidence is currently insufficient to determine the role of this variant in disease. Therefore, it has been classified as a Variant of Uncertain Significance.